The following is an entry in ClinVar:

ClinVar aggregate classification (germline): Benign/Likely benign. Review status: criteria provided, multiple submitters, no conflicts (2 of 4 stars). 3 submissions from 3 submitters: Benign (1); Likely benign (2). Last evaluated 2025-11-16.

Conditions:
Hereditary cancer-predisposing syndrome. Also called: Tumor predisposition; Hereditary neoplastic syndrome; Neoplastic Syndromes, Hereditary; Hereditary Cancer Syndrome. Identifiers: Orphanet 140162, MedGen C0027672, MeSH D009386, MONDO:0015356.
Hereditary leiomyomatosis and renal cell cancer. Also called: Familial leiomyomatosis; MULTIPLE CUTANEOUS AND UTERINE LEIOMYOMATA 1, WITH OR WITHOUT RENAL CELL CARCINOMA; Multiple cutaneous leiomyomas; Reed syndrome; Multiple cutaneous and uterine leiomyomatosis; Cutaneous leiomyomata with uterine leiomyomata. Identifiers: Orphanet 523, MedGen C1708350, MONDO:0007888, OMIM 150800, HP:0007437. Disease mechanism: loss of function.

gnomAD v4.1: 29 of 1,614,022 alleles (0.0018%); highest among the groups gnomAD compares: East Asian, 0.062%; 1 homozygote.

Submissions (3):

Labcorp Genetics (formerly Invitae), Labcorp
Classification: Likely benign. Last evaluated: 2025-11-16. Review status: criteria provided, single submitter. Criteria: Invitae Variant Classification Sherloc (09022015). Collection method: clinical testing. Allele origin: germline.

Myriad Genetics, Inc.
Classification: Benign for Hereditary leiomyomatosis and renal cell cancer. Last evaluated: 2024-10-17. Review status: criteria provided, single submitter. Criteria: Myriad Autosomal Dominant, Autosomal Recessive and X-Linked Classification Criteria (2023). Collection method: clinical testing. Allele origin: unknown.
Comment: This variant is considered benign. This variant is a silent/synonymous amino acid change and it is not expected to impact splicing.

Ambry Genetics
Classification: Likely benign for Hereditary cancer-predisposing syndrome. Last evaluated: 2020-05-29. Review status: criteria provided, single submitter. Criteria: Ambry Variant Classification Scheme 2023. Collection method: clinical testing. Allele origin: germline.

NM_000143.4(FH):c.228G>A (p.Thr76=)

Gene: FH (fumarate hydratase; minus strand). Cytogenetic location: 1q43.
Variant type: single nucleotide variant.
Coding change: c.228G>A on transcript NM_000143.4 (MANE Select); coding-DNA position 228, G replaced by A.
Protein change: p.Thr76=; no amino-acid change (threonine 76 retained).
Molecular consequence: synonymous variant.
Genome position (GRCh38, 1-based): chr1:241,517,221, C>T on the plus strand (G>A on the coding strand, the complement: FH is on the minus strand). VCF-style: chr1-241517221-C-T. GRCh37 (hg19) VCF-style: chr1-241680521-C-T.
Identifiers: ClinVar variation 460348 (VCV000460348.15), dbSNP rs373586584, ClinGen allele CA1478744.